The following is an entry in ClinVar:

ClinVar aggregate classification (germline): Uncertain significance. Review status: criteria provided, multiple submitters, no conflicts (2 of 4 stars). 2 submissions from 2 submitters: Uncertain significance (2). Last evaluated 2022-07-22.

Conditions:
Deficiency of alpha-mannosidase (MANSA). Also called: LYSOSOMAL ALPHA-D-MANNOSIDASE DEFICIENCY; Alpha-Mannosidosis; Mannosidosis, alpha-, types I and II. Identifiers: Orphanet 61, MedGen C0024748, MONDO:0009561, OMIM 248500.

Allele frequency attached by ClinVar (database versions not stated): ExAC 0.00001; gnomAD exomes 0.00002 and 0.00003; TOPMed 0.00002; gnomAD 0.00003 and 0.00004.

Submissions (2):

Labcorp Genetics (formerly Invitae), Labcorp
Classification: Uncertain significance for Deficiency of alpha-mannosidase. Last evaluated: 2022-07-22. Review status: criteria provided, single submitter. Criteria: Invitae Variant Classification Sherloc (09022015). Collection method: clinical testing. Allele origin: germline.
Comment: This sequence change replaces aspartic acid, which is acidic and polar, with asparagine, which is neutral and polar, at codon 723 of the MAN2B1 protein (p.Asp723Asn). This variant is present in population databases (rs749183690, gnomAD 0.009%). This variant has not been reported in the literature in individuals affected with MAN2B1-related conditions. ClinVar contains an entry for this variant (Variation ID: 888937). Algorithms developed to predict the effect of missense changes on protein structure and function are either unavailable or do not agree on the potential impact of this missense change (SIFT: "Tolerated"; PolyPhen-2: "Probably Damaging"; Align-GVGD: "Class C0"). In summary, the available evidence is currently insufficient to determine the role of this variant in disease. Therefore, it has been classified as a Variant of Uncertain Significance.

Illumina Laboratory Services, Illumina
Classification: Uncertain significance for Deficiency of alpha-mannosidase. Last evaluated: 2018-01-13. Review status: criteria provided, single submitter. Criteria: ICSL Variant Classification Criteria 13 December 2019. Collection method: clinical testing. Allele origin: germline.

NM_000528.4(MAN2B1):c.2167G>A (p.Asp723Asn)

Gene: MAN2B1 (mannosidase alpha class 2B member 1; minus strand). Cytogenetic location: 19p13.13.
Variant type: single nucleotide variant.
Coding change: c.2167G>A on transcript NM_000528.4 (MANE Select); coding-DNA position 2167, G replaced by A.
Protein change: p.Asp723Asn; replaces aspartic acid 723 with asparagine.
Molecular consequence: missense variant.
Genome position (GRCh38, 1-based): chr19:12,650,013, C>T on the plus strand (G>A on the coding strand, the complement: MAN2B1 is on the minus strand). VCF-style: chr19-12650013-C-T. GRCh37 (hg19) VCF-style: chr19-12760827-C-T.
Other names: c.2164G>A, p.Asp722Asn (NM_001173498.2); short protein forms D722N, D723N.
Identifiers: ClinVar variation 888937 (VCV000888937.6), dbSNP rs749183690, ClinGen allele CA9226168.